The following is an entry in ClinVar:

ClinVar aggregate classification (germline): Uncertain significance (1 of 4 stars; one submission).

Submission:

GeneDx
Classification: Uncertain significance. Last evaluated: 2025-04-15. Review status: criteria provided, single submitter. Criteria: GeneDx Variant Classification Process June 2021. Collection method: clinical testing. Allele origin: germline. Affected: yes.
Comment: In-frame deletion of 1 amino acid(s) in a non-repeat region; In silico analysis supports a deleterious effect on protein structure/function; Has not been previously published as pathogenic or benign to our knowledge

NM_001003800.2(BICD2):c.994_996del (p.Leu332del)

Gene: BICD2 (BICD cargo adaptor 2; minus strand). Cytogenetic location: 9q22.31.
Variant type: Deletion.
Coding change: c.994_996del on transcript NM_001003800.2 (MANE Select); coding-DNA positions 994 to 996, 3 bases deleted (CTC; older notation c.994_996delCTC).
Protein change: p.Leu332del; deletes leucine 332.
Molecular consequence: inframe deletion.
Genome position (GRCh38, 1-based): chr9:92,720,366-92,720,368, GAG deleted on the plus strand (CTC on the coding strand, the reverse complement: BICD2 is on the minus strand); deleting any 3 consecutive bases within chr9:92,720,366-92,720,369 gives the same sequence; the c. name uses the placement nearest the transcript's 3' end. VCF-style (leftmost placement, unchanged base first): chr9-92720365-CGAG-C. GRCh37 (hg19) VCF-style: chr9-95482647-CGAG-C.
Other names: c.994_996del, p.Leu332del (NM_015250.4); short protein forms L332del.
Identifiers: ClinVar variation 4282097 (VCV004282097.1).